The following is an entry in ClinVar:

NM_130837.3(OPA1):c.350A>G (p.Lys117Arg)

Gene: OPA1 (OPA1 mitochondrial dynamin like GTPase; plus strand). Cytogenetic location: 3q29.
Variant type: single nucleotide variant.
Coding change: c.350A>G on transcript NM_130837.3 (MANE Select); coding-DNA position 350, A replaced by G.
Protein change: p.Lys117Arg; replaces lysine 117 with arginine.
Molecular consequence: missense variant. On other transcripts: 5 prime UTR variant (2).
Genome position (GRCh38, 1-based): chr3:193,615,040, A>G. VCF-style: chr3-193615040-A-G. GRCh37 (hg19) VCF-style: chr3-193332829-A-G.
Other names: c.-23A>G (NM_001354663.2, NM_001354664.2); c.350A>G, p.Lys117Arg (NM_015560.3, NM_130831.3, NM_130832.3 and 4 more transcripts); short protein forms K117R.
Identifiers: ClinVar variation 3629947 (VCV003629947.1).

ClinVar aggregate classification (germline): Uncertain significance (1 of 4 stars; one submission).

Submission:

Women's Health and Genetics/Laboratory Corporation of America, LabCorp
Classification: Uncertain significance. Last evaluated: 2024-11-21. Review status: criteria provided, single submitter. Criteria: LabCorp Variant Classification Summary - May 2015. Collection method: clinical testing. Allele origin: germline.
Comment: Variant summary: OPA1 c.350A>G (p.Lys117Arg) results in a conservative amino acid change in the encoded protein sequence. Four of five in-silico tools predict a benign effect of the variant on protein function. Several computational tools predict a significant impact on normal splicing: One predicts the variant abolishes a 5' splicing donor site. One predicts the variant weakens a 5' donor site. However, these predictions have yet to be confirmed by functional studies. The variant was absent in 248360 control chromosomes. The available data on variant occurrences in the general population are insufficient to allow any conclusion about variant significance. To our knowledge, no occurrence of c.350A>G in individuals affected with OPA1-Related Disorders and no experimental evidence demonstrating its impact on protein function have been reported. No submitters have cited clinical-significance assessments for this variant to ClinVar. Based on the evidence outlined above, the variant was classified as uncertain significance.